The following is an entry in ClinVar:

NM_000142.5(FGFR3):c.179G>C (p.Ser60Thr)

Gene: FGFR3 (fibroblast growth factor receptor 3; plus strand). Cytogenetic location: 4p16.3.
Variant type: single nucleotide variant.
Coding change: c.179G>C on transcript NM_000142.5 (MANE Select); coding-DNA position 179, G replaced by C.
Protein change: p.Ser60Thr; replaces serine 60 with threonine.
Molecular consequence: missense variant. On other transcripts: non-coding transcript variant (1).
Genome position (GRCh38, 1-based): chr4:1,799,323, G>C. VCF-style: chr4-1799323-G-C. GRCh37 (hg19) VCF-style: chr4-1801050-G-C.
Other names: c.179G>C, p.Ser60Thr (NM_001163213.2, NM_001354809.2, NM_001354810.2 and 1 more transcripts); short protein forms S60T.
Identifiers: ClinVar variation 1679986 (VCV001679986.9), dbSNP rs927310452, ClinGen allele CA355972422.

ClinVar aggregate classification (germline): Uncertain significance. Review status: criteria provided, multiple submitters, no conflicts (2 of 4 stars). 2 submissions from 2 submitters: Uncertain significance (2). Last evaluated 2026-07-01.

Allele frequency attached by ClinVar (database versions not stated): gnomAD exomes below 0.00001.
gnomAD v4.1: 1 of 1,612,668 alleles (0.000062%); highest among the groups gnomAD compares: Non-Finnish European, 0.000085%; no homozygotes.

Submissions (2):

CeGaT Center for Human Genetics Tuebingen
Classification: Uncertain significance. Last evaluated: 2026-07-01. Review status: criteria provided, single submitter. Criteria: CeGaT Center For Human Genetics Tuebingen Variant Classification Criteria Version 2. Collection method: clinical testing. Allele origin: germline. Affected: yes. Observed: 1 variant allele.
Comment: FGFR3: PM2

Labcorp Genetics (formerly Invitae), Labcorp
Classification: Uncertain significance. Last evaluated: 2020-10-13. Review status: criteria provided, single submitter. Criteria: Invitae Variant Classification Sherloc (09022015). Collection method: clinical testing. Allele origin: germline.
Comment: This sequence change replaces serine with threonine at codon 60 of the FGFR3 protein (p.Ser60Thr). The serine residue is moderately conserved and there is a small physicochemical difference between serine and threonine. This variant is not present in population databases (ExAC no frequency). In summary, the available evidence is currently insufficient to determine the role of this variant in disease. Therefore, it has been classified as a Variant of Uncertain Significance. Algorithms developed to predict the effect of missense changes on protein structure and function output the following: SIFT: "Tolerated"; PolyPhen-2: "Benign"; Align-GVGD: "Class C0". The threonine amino acid residue is found in multiple mammalian species, suggesting that this missense change does not adversely affect protein function. These predictions have not been confirmed by published functional studies and their clinical significance is uncertain. This variant has not been reported in the literature in individuals with FGFR3-related conditions.